The following is an entry in ClinVar:

NM_006031.6(PCNT):c.1044A>G (p.Glu348=)

Gene: PCNT (pericentrin; plus strand). Cytogenetic location: 21q22.3.
Variant type: single nucleotide variant.
Coding change: c.1044A>G on transcript NM_006031.6 (MANE Select); coding-DNA position 1044, A replaced by G.
Protein change: p.Glu348=; no amino-acid change (glutamic acid 348 retained).
Molecular consequence: synonymous variant.
Genome position (GRCh38, 1-based): chr21:46,349,023, A>G. VCF-style: chr21-46349023-A-G. GRCh37 (hg19) VCF-style: chr21-47768937-A-G.
Other names: c.690A>G, p.Glu230= (NM_001315529.2).
Identifiers: ClinVar variation 5000196 (VCV005000196.1).

ClinVar aggregate classification (germline): Likely benign (1 of 4 stars; one submission).

Conditions:
PCNT-related disorder. Also called: PCNT-related condition.

gnomAD v4.1: 8 of 1,587,212 alleles (0.0005%); highest among the groups gnomAD compares: Middle Eastern, 0.017%; no homozygotes.

Submission:

PreventionGenetics, part of Exact Sciences
Classification: Likely benign for PCNT-related condition. Last evaluated: 2024-11-25. Review status: criteria provided, single submitter. Criteria: ACMG Guidelines, 2015. Collection method: clinical testing. Allele origin: germline.
Comment: This variant is classified as likely benign based on ACMG/AMP sequence variant interpretation guidelines (Richards et al. 2015 PMID: 25741868, with internal and published modifications).